The following is an entry in ClinVar:

NM_001144967.3(NEDD4L):c.780G>T (p.Glu260Asp)

Gene: NEDD4L (NEDD4 like E3 ubiquitin protein ligase; plus strand). Cytogenetic location: 18q21.31.
Variant type: single nucleotide variant.
Coding change: c.780G>T on transcript NM_001144967.3 (MANE Select); coding-DNA position 780, G replaced by T.
Protein change: p.Glu260Asp; replaces glutamic acid 260 with aspartic acid.
Molecular consequence: missense variant.
Genome position (GRCh38, 1-based): chr18:58,329,094, G>T. VCF-style: chr18-58329094-G-T. GRCh37 (hg19) VCF-style: chr18-55996326-G-T.
Other names: c.417G>T, p.Glu139Asp (NM_001144964.1, NM_001144965.2, NM_001144966.3 and 2 more transcripts); c.756G>T, p.Glu252Asp (NM_001144968.2, NM_001144969.2); c.780G>T, p.Glu260Asp (NM_001243960.2, NM_015277.6); short protein forms E252D, E139D, E260D.
Identifiers: ClinVar variation 3631813 (VCV003631813.2).

ClinVar aggregate classification (germline): Uncertain significance (1 of 4 stars; one submission).

gnomAD v4.1: 1 of 1,614,028 alleles (0.000062%); no homozygotes.

Submission:

Labcorp Genetics (formerly Invitae), Labcorp
Classification: Uncertain significance. Last evaluated: 2024-10-22. Review status: criteria provided, single submitter. Criteria: Invitae Variant Classification Sherloc (09022015). Collection method: clinical testing. Allele origin: germline.
Comment: This sequence change replaces glutamic acid, which is acidic and polar, with aspartic acid, which is acidic and polar, at codon 260 of the NEDD4L protein (p.Glu260Asp). This variant is present in population databases (no rsID available, gnomAD 0.003%). This variant has not been reported in the literature in individuals affected with NEDD4L-related conditions. Invitae Evidence Modeling of protein sequence and biophysical properties (such as structural, functional, and spatial information, amino acid conservation, physicochemical variation, residue mobility, and thermodynamic stability) indicates that this missense variant is not expected to disrupt NEDD4L protein function with a negative predictive value of 80%. In summary, the available evidence is currently insufficient to determine the role of this variant in disease. Therefore, it has been classified as a Variant of Uncertain Significance.